The following is an entry in ClinVar:

ClinVar aggregate classification (germline): Uncertain significance (1 of 4 stars; one submission).

Conditions:
Asphyxiating thoracic dystrophy 5 (SRTD5). Also called: SHORT-RIB THORACIC DYSPLASIA 5 WITHOUT POLYDACTYLY; SHORT-RIB THORACIC DYSPLASIA 5 WITH OR WITHOUT POLYDACTYLY. Identifiers: Orphanet 474, MedGen C3280598, MONDO:0013717, OMIM 614376.
Senior-Loken syndrome 8 (SLSN8). Identifiers: Orphanet 3156, MedGen C4225376, MONDO:0014579, OMIM 616307.

Allele frequency attached by ClinVar (database versions not stated): gnomAD 0.00001.
gnomAD v4.1: 9 of 1,612,952 alleles (0.00056%); highest among the groups gnomAD compares: Admixed American, 0.0017%; no homozygotes.

Submission:

Labcorp Genetics (formerly Invitae), Labcorp
Classification: Uncertain significance for Senior-Loken syndrome 8; Asphyxiating thoracic dystrophy 5. Last evaluated: 2022-02-23. Review status: criteria provided, single submitter. Criteria: Invitae Variant Classification Sherloc (09022015). Collection method: clinical testing. Allele origin: germline.
Comment: This sequence change replaces aspartic acid, which is acidic and polar, with tyrosine, which is neutral and polar, at codon 643 of the WDR19 protein (p.Asp643Tyr). This variant is present in population databases (rs767757561, gnomAD 0.0009%). This variant has not been reported in the literature in individuals affected with WDR19-related conditions. ClinVar contains an entry for this variant (Variation ID: 1045466). Algorithms developed to predict the effect of missense changes on protein structure and function are either unavailable or do not agree on the potential impact of this missense change (SIFT: "Deleterious"; PolyPhen-2: "Possibly Damaging"; Align-GVGD: "Class C0"). In summary, the available evidence is currently insufficient to determine the role of this variant in disease. Therefore, it has been classified as a Variant of Uncertain Significance.

NM_025132.4(WDR19):c.1927G>T (p.Asp643Tyr)

Gene: WDR19 (WD repeat domain 19; plus strand). Cytogenetic location: 4p14.
Variant type: single nucleotide variant.
Coding change: c.1927G>T on transcript NM_025132.4 (MANE Select); coding-DNA position 1927, G replaced by T.
Protein change: p.Asp643Tyr; replaces aspartic acid 643 with tyrosine.
Molecular consequence: missense variant.
Genome position (GRCh38, 1-based): chr4:39,228,635, G>T. VCF-style: chr4-39228635-G-T. GRCh37 (hg19) VCF-style: chr4-39230255-G-T.
Other names: c.1447G>T, p.Asp483Tyr (NM_001317924.2); short protein forms D483Y, D643Y.
Identifiers: ClinVar variation 1045466 (VCV001045466.6), dbSNP rs767757561, ClinGen allele CA2891964.
Genomic context (GRCh38, chr4:39,228,635, plus strand): 5'-CAGAGTGGAAAAGTAAACAACATCTACCTTAGCACCCATGGCTTTCTCAGCAACTTAAAA[G>T]ATACGGGGCCTGACGAACTGAGACCAATGCTGGCACAGAATTTAATGCTAAAGAGGTAGG-3'
Protein context (NP_079408.3, residues 633-653): STHGFLSNLK[Asp643Tyr]TGPDELRPML